The following is an entry in ClinVar:

NM_000057.4(BLM):c.1137C>G (p.Ile379Met)

Gene: BLM (BLM RecQ like helicase; plus strand). Cytogenetic location: 15q26.1.
Variant type: single nucleotide variant.
Coding change: c.1137C>G on transcript NM_000057.4 (MANE Select); coding-DNA position 1137, C replaced by G.
Protein change: p.Ile379Met; replaces isoleucine 379 with methionine.
Molecular consequence: missense variant.
Genome position (GRCh38, 1-based): chr15:90,760,196, C>G. VCF-style: chr15-90760196-C-G. GRCh37 (hg19) VCF-style: chr15-91303426-C-G.
Other names: c.1137C>G, p.Ile379Met (NM_001287246.2, NM_001287247.2); c.12C>G, p.Ile4Met (NM_001287248.2); c.1137C>G (NM_000057.2); short protein forms I379M, I4M.
Identifiers: ClinVar variation 935276 (VCV000935276.14), dbSNP rs1178783782, ClinGen allele CA393842392.

ClinVar aggregate classification (germline): Uncertain significance. Review status: criteria provided, multiple submitters, no conflicts (2 of 4 stars). 3 submissions from 3 submitters: Uncertain significance (2). 1 of the submissions does not count toward it. Last evaluated 2025-11-18.

Conditions:
Hereditary cancer-predisposing syndrome. Also called: Tumor predisposition; Hereditary neoplastic syndrome; Hereditary Cancer Syndrome; Neoplastic Syndromes, Hereditary. Identifiers: Orphanet 140162, MedGen C0027672, MeSH D009386, MONDO:0015356.
Bloom syndrome (BLM). Also called: Bloom-Torre-Machacek syndrome. Identifiers: Orphanet 125, MedGen C0005859, MONDO:0008876, OMIM 210900.

Allele frequency attached by ClinVar (database versions not stated): TOPMed 0.00002.
gnomAD v4.1: 2 of 1,613,020 alleles (0.00012%); highest among the groups gnomAD compares: Non-Finnish European, 0.00017%; no homozygotes.

Submissions (3):

Labcorp Genetics (formerly Invitae), Labcorp
Classification: Uncertain significance for Bloom syndrome. Last evaluated: 2025-11-18. Review status: criteria provided, single submitter. Criteria: Invitae Variant Classification Sherloc (09022015). Collection method: clinical testing. Allele origin: germline.
Comment: This sequence change replaces isoleucine, which is neutral and non-polar, with methionine, which is neutral and non-polar, at codon 379 of the BLM protein (p.Ile379Met). This variant is not present in population databases (gnomAD no frequency). This variant has not been reported in the literature in individuals affected with BLM-related conditions. ClinVar contains an entry for this variant (Variation ID: 935276). Invitae Evidence Modeling of protein sequence and biophysical properties (such as structural, functional, and spatial information, amino acid conservation, physicochemical variation, residue mobility, and thermodynamic stability) indicates that this missense variant is not expected to disrupt BLM protein function with a negative predictive value of 80%. Studies have shown that this missense change is associated with inconclusive levels of altered splicing (internal data). In summary, the available evidence is currently insufficient to determine the role of this variant in disease. Therefore, it has been classified as a Variant of Uncertain Significance.

Ambry Genetics
Classification: Uncertain significance for Hereditary cancer-predisposing syndrome. Last evaluated: 2025-01-23. Review status: criteria provided, single submitter. Criteria: Ambry Variant Classification Scheme 2023. Collection method: clinical testing. Allele origin: germline.
Comment: The p.I379M variant (also known as c.1137C>G), located in coding exon 5 of the BLM gene, results from a C to G substitution at nucleotide position 1137. The isoleucine at codon 379 is replaced by methionine, an amino acid with highly similar properties. This amino acid position is conserved. In addition, this alteration is predicted to be tolerated by in silico analysis. Since supporting evidence is limited at this time, the clinical significance of this alteration remains unclear.

Natera, Inc.
Classification: Uncertain significance for Bloom syndrome. Last evaluated: 2021-06-25. Review status: no assertion criteria provided. Collection method: clinical testing. Allele origin: germline. Not counted in ClinVar's aggregate classification.